The following is an entry in ClinVar:

NM_000283.4(PDE6B):c.1921-1G>A

Gene: PDE6B (phosphodiesterase 6B; plus strand). Cytogenetic location: 4p16.3.
Variant type: single nucleotide variant.
Coding change: c.1921-1G>A on transcript NM_000283.4 (MANE Select); the canonical splice acceptor site of the intron before coding-DNA position 1921, G replaced by A.
Molecular consequence: splice acceptor variant.
Genome position (GRCh38, 1-based): chr4:663,769, G>A. VCF-style: chr4-663769-G-A. GRCh37 (hg19) VCF-style: chr4-657558-G-A.
Other names: c.1921-1G>A (NM_001145291.2); c.1084-1G>A (NM_001379246.1, NM_001379247.1, NM_001145292.2 and 1 more transcripts); c.766-1G>A (NM_001350155.3).
Identifiers: ClinVar variation 2047159 (VCV002047159.3), dbSNP rs150108615, ClinGen allele CA2794779.

ClinVar aggregate classification (germline): Pathogenic. Review status: criteria provided, multiple submitters, no conflicts (2 of 4 stars). 2 submissions from 2 submitters: Pathogenic (2). Last evaluated 2025-11-08.

Conditions:
PDE6B-related disorder. Also called: PDE6B-related disorders; PDE6B-related disease; PDE6B-related condition.

Allele frequency attached by ClinVar (database versions not stated): ExAC 0.00001; gnomAD 0.00001; TOPMed 0.00001; gnomAD exomes 0.00002; ESP Exome Variant Server 0.00008.
gnomAD v4.1: 23 of 1,610,868 alleles (0.0014%); highest among the groups gnomAD compares: Non-Finnish European, 0.002%; no homozygotes.

Submissions (2):

Labcorp Genetics (formerly Invitae), Labcorp
Classification: Pathogenic. Last evaluated: 2025-11-08. Review status: criteria provided, single submitter. Criteria: Invitae Variant Classification Sherloc (09022015). Collection method: clinical testing. Allele origin: germline.
Comment: This sequence change affects an acceptor splice site in intron 15 of the PDE6B gene. It is expected to disrupt RNA splicing. Variants that disrupt the donor or acceptor splice site typically lead to a loss of protein function (PMID: 16199547), and loss-of-function variants in PDE6B are known to be pathogenic (PMID: 8394174, 8595886, 22334370). This variant is present in population databases (rs150108615, gnomAD 0.0009%). Disruption of this splice site has been observed in individual(s) with clinical features of autosomal recessive retinitis pigmentosa (internal data). In at least one individual the data is consistent with being in trans (on the opposite chromosome) from a pathogenic variant. ClinVar contains an entry for this variant (Variation ID: 2047159). Algorithms developed to predict the effect of sequence changes on RNA splicing suggest that this variant may disrupt the consensus splice site. For these reasons, this variant has been classified as Pathogenic.

Blueprint Genetics
Classification: Pathogenic for PDE6B-related disorders. Last evaluated: 2021-11-24. Review status: criteria provided, single submitter. Criteria: ACMG Guidelines, 2015. Collection method: clinical testing. Allele origin: germline. Affected: yes. Observed: 3 variant alleles.

Literature cited by the submitters: PubMed 16199547 (cited by Labcorp Genetics (formerly Invitae), Labcorp); PubMed 8394174 (cited by Labcorp Genetics (formerly Invitae), Labcorp); PubMed 8595886 (cited by Labcorp Genetics (formerly Invitae), Labcorp); PubMed 22334370 (cited by Labcorp Genetics (formerly Invitae), Labcorp).